The following is an entry in ClinVar:

ClinVar aggregate classification (germline): Uncertain significance (1 of 4 stars; one submission).

Submission:

Labcorp Genetics (formerly Invitae), Labcorp
Classification: Uncertain significance. Last evaluated: 2025-12-24. Review status: criteria provided, single submitter. Criteria: Invitae Variant Classification Sherloc (09022015). Collection method: clinical testing. Allele origin: germline.
Comment: This sequence change falls in intron 16 of the GFM2 gene. It does not directly change the encoded amino acid sequence of the GFM2 protein. It affects a nucleotide within the consensus splice site. This variant is not present in population databases (gnomAD no frequency). This variant has not been reported in the literature in individuals affected with GFM2-related conditions. ClinVar contains an entry for this variant (Variation ID: 3610851). Variants that disrupt the consensus splice site are a relatively common cause of aberrant splicing (PMID: 17576681, 9536098). Algorithms developed to predict the effect of sequence changes on RNA splicing suggest that this variant is not likely to affect RNA splicing. In summary, the available evidence is currently insufficient to determine the role of this variant in disease. Therefore, it has been classified as a Variant of Uncertain Significance.

Literature cited by the submitters: PubMed 17576681; PubMed 9536098.

NM_032380.5(GFM2):c.1588-3C>T

Gene: GFM2 (GTP dependent ribosome recycling factor mitochondrial 2; minus strand). Cytogenetic location: 5q13.3.
Variant type: single nucleotide variant.
Coding change: c.1588-3C>T on transcript NM_032380.5 (MANE Select); 3 bases into the intron before coding-DNA position 1588, C replaced by T.
Molecular consequence: intron variant.
Genome position (GRCh38, 1-based): chr5:74,730,401, G>A on the plus strand (C>T on the coding strand, the complement: GFM2 is on the minus strand). VCF-style: chr5-74730401-G-A. GRCh37 (hg19) VCF-style: chr5-74026226-G-A.
Other names: c.1447-3C>T (NM_170691.3); c.1684-3C>T (NM_001281302.2).
Identifiers: ClinVar variation 3610851 (VCV003610851.2).